The following is an entry in ClinVar:

NM_000037.4(ANK1):c.1540G>T (p.Gly514Cys)

Gene: ANK1 (ankyrin 1; minus strand). Cytogenetic location: 8p11.21.
Variant type: single nucleotide variant.
Coding change: c.1540G>T on transcript NM_000037.4 (MANE Select); coding-DNA position 1540, G replaced by T.
Protein change: p.Gly514Cys; replaces glycine 514 with cysteine.
Molecular consequence: missense variant.
Genome position (GRCh38, 1-based): chr8:41,715,714, C>A on the plus strand (G>T on the coding strand, the complement: ANK1 is on the minus strand). VCF-style: chr8-41715714-C-A. GRCh37 (hg19) VCF-style: chr8-41573232-C-A.
Other names: c.1639G>T, p.Gly547Cys (NM_001142446.2); c.1540G>T, p.Gly514Cys (NM_020475.3, NM_020476.3, NM_020477.3); short protein forms G514C, G547C.
Identifiers: ClinVar variation 2439069 (VCV002439069.13), dbSNP rs199975878, ClinGen allele CA4728582.

ClinVar aggregate classification (germline): Uncertain significance. Review status: criteria provided, multiple submitters, no conflicts (2 of 4 stars). 4 submissions from 4 submitters: Uncertain significance (4). Last evaluated 2025-10-26.

Conditions:
Hereditary spherocytosis type 1. Also called: Spherocytosis type 1; ANK1-Related Spherocytosis. Identifiers: Orphanet 822, MedGen C2674218, MONDO:0008447, OMIM 182900.

Allele frequency attached by ClinVar (database versions not stated): ESP Exome Variant Server 0.00008; TOPMed 0.00011; gnomAD 0.00014.
gnomAD v4.1: 267 of 1,614,032 alleles (0.017%); highest among the groups gnomAD compares: Non-Finnish European, 0.021%; 1 homozygote.

Submissions (4):

Labcorp Genetics (formerly Invitae), Labcorp
Classification: Uncertain significance. Last evaluated: 2025-10-26. Review status: criteria provided, single submitter. Criteria: Invitae Variant Classification Sherloc (09022015). Collection method: clinical testing. Allele origin: germline.
Comment: This sequence change replaces glycine, which is neutral and non-polar, with cysteine, which is neutral and slightly polar, at codon 514 of the ANK1 protein (p.Gly514Cys). This variant is present in population databases (rs199975878, gnomAD 0.02%). This missense change has been observed in individual(s) with clinical features of hereditary erythrocytes disorders (PMID: 34201899). ClinVar contains an entry for this variant (Variation ID: 2439069). Invitae Evidence Modeling of protein sequence and biophysical properties (such as structural, functional, and spatial information, amino acid conservation, physicochemical variation, residue mobility, and thermodynamic stability) indicates that this missense variant is expected to disrupt ANK1 protein function with a positive predictive value of 80%. In summary, the available evidence is currently insufficient to determine the role of this variant in disease. Therefore, it has been classified as a Variant of Uncertain Significance.

CeGaT Center for Human Genetics Tuebingen
Classification: Uncertain significance. Last evaluated: 2025-07-01. Review status: criteria provided, single submitter. Criteria: CeGaT Center For Human Genetics Tuebingen Variant Classification Criteria Version 2. Collection method: clinical testing. Allele origin: germline. Affected: yes. Observed: 1 variant allele.
Comment: ANK1: PM2

ARUP Laboratories, Molecular Genetics and Genomics, ARUP Laboratories
Classification: Uncertain significance for Hereditary spherocytosis type 1. Last evaluated: 2024-12-18. Review status: criteria provided, single submitter. Criteria: ARUP Molecular Germline Variant Investigation Process 2024. Collection method: clinical testing. Allele origin: germline.
Comment: The ANK1 c.1540G>T; p.Gly514Cys variant (rs199975878, ClinVar Variation ID 2439069) is reported in the literature in one individual affected with dehydrated hereditary stomatocytosis type 1 and hereditary spherocytosis (Andolfo 2021). This variant is found in the general population with an overall allele frequency of 0.008% (23/282846 alleles) in the Genome Aggregation Database(v2.1.1). Computational analyses predict that this variant is deleterious (REVEL: 0.755). While the high population frequency suggests that this is likely a benign variant, given the lack of clinical and functional data, the significance of this variant is uncertain at this time. References: Andolfo I, et al. Complex Modes of Inheritance in Hereditary Red Blood Cell Disorders: A Case Series Study of 155 Patients. Genes (Basel). 2021 Jun 23;12(7):958. PMID: 34201899.

Revvity Omics, Revvity
Classification: Uncertain significance for Hereditary spherocytosis type 1. Last evaluated: 2019-08-29. Review status: criteria provided, single submitter. Criteria: ACMG Guidelines, 2015. Collection method: clinical testing. Allele origin: germline.

Literature cited by the submitters: PubMed 34201899 (cited by Labcorp Genetics (formerly Invitae), Labcorp).